The following is an entry in ClinVar:

NM_003738.5(PTCH2):c.703C>T (p.Arg235Trp)

Gene: PTCH2 (patched 2; minus strand). Cytogenetic location: 1p34.1.
Variant type: single nucleotide variant.
Coding change: c.703C>T on transcript NM_003738.5 (MANE Select); coding-DNA position 703, C replaced by T.
Protein change: p.Arg235Trp; replaces arginine 235 with tryptophan.
Molecular consequence: missense variant.
Genome position (GRCh38, 1-based): chr1:44,830,958, G>A on the plus strand (C>T on the coding strand, the complement: PTCH2 is on the minus strand). VCF-style: chr1-44830958-G-A. GRCh37 (hg19) VCF-style: chr1-45296630-G-A.
Other names: c.703C>T, p.Arg235Trp (NM_001166292.2); short protein forms R235W.
Identifiers: ClinVar variation 524512 (VCV000524512.13), dbSNP rs200366479, ClinGen allele CA823548.
Genomic context (GRCh38, chr1:44,830,958, plus strand): 5'-GGTGCAGACAGGGCCGCCCCACGTAGGCCTGGCCCACCTGTGCCTTGTCTAGCAGCTCCC[G>A]GAAGCCCTCAAGGGAGGCAAAGGGACCCAGCTCCTCCAGCAGCTGCTCTGGATCCAGGTT-3'
Protein context (NP_003729.3, residues 225-245): LGPFASLEGF[Arg235Trp]ELLDKAQVGQ

ClinVar aggregate classification (germline): Uncertain significance. Review status: criteria provided, multiple submitters, no conflicts (2 of 4 stars). 3 submissions from 3 submitters: Uncertain significance (2). 1 of the submissions does not count toward it. Last evaluated 2025-10-13.

Conditions:
Gorlin syndrome. Also called: Nevoid Basal Cell Carcinoma Syndrome; Basal cell nevus syndrome. Identifiers: Orphanet 377, MedGen C0004779, MONDO:0007187.
PTCH2-related disorder. Also called: PTCH2-related condition; PTCH2-related disease.

Allele frequency attached by ClinVar (database versions not stated): gnomAD exomes 0.00003 and 0.00006; ExAC 0.00004; ESP Exome Variant Server 0.00008; TOPMed 0.00008; gnomAD 0.00009 and 0.00010; 1000 Genomes Project 30x 0.00016; 1000 Genomes Project 0.00020.
gnomAD v4.1: 110 of 1,610,266 alleles (0.0068%); highest among the groups gnomAD compares: African/African-American, 0.012%; no homozygotes.

Submissions (3):

Labcorp Genetics (formerly Invitae), Labcorp
Classification: Uncertain significance for Gorlin syndrome. Last evaluated: 2025-10-13. Review status: criteria provided, single submitter. Criteria: Invitae Variant Classification Sherloc (09022015). Collection method: clinical testing. Allele origin: germline.
Comment: This sequence change replaces arginine, which is basic and polar, with tryptophan, which is neutral and slightly polar, at codon 235 of the PTCH2 protein (p.Arg235Trp). This variant is present in population databases (rs200366479, gnomAD 0.008%). This variant has not been reported in the literature in individuals affected with PTCH2-related conditions. ClinVar contains an entry for this variant (Variation ID: 524512). Invitae Evidence Modeling of protein sequence and biophysical properties (such as structural, functional, and spatial information, amino acid conservation, physicochemical variation, residue mobility, and thermodynamic stability) indicates that this missense variant is not expected to disrupt PTCH2 protein function with a negative predictive value of 80%. In summary, the available evidence is currently insufficient to determine the role of this variant in disease. Therefore, it has been classified as a Variant of Uncertain Significance.

Ambry Genetics
Classification: Uncertain significance. Last evaluated: 2025-08-09. Review status: criteria provided, single submitter. Criteria: Ambry Variant Classification Scheme 2023. Collection method: clinical testing. Allele origin: germline.

PreventionGenetics, part of Exact Sciences
Classification: Uncertain significance for PTCH2-related condition. Last evaluated: 2024-06-26. Review status: no assertion criteria provided. Collection method: clinical testing. Allele origin: germline. Not counted in ClinVar's aggregate classification.
Comment: The PTCH2 c.703C>T variant is predicted to result in the amino acid substitution p.Arg235Trp. To our knowledge, this variant has not been reported in the literature. This variant is reported in 0.0070% of alleles in individuals of European (Non-Finnish) descent in gnomAD. This variant is interpreted as a variant of uncertain significance in ClinVar. At this time, the clinical significance of this variant is uncertain due to the absence of conclusive functional and genetic evidence.